The following is an entry in ClinVar:

NM_006206.6(PDGFRA):c.1972G>T (p.Val658Leu)

Gene: PDGFRA (platelet derived growth factor receptor alpha; plus strand). Cytogenetic location: 4q12.
Variant type: single nucleotide variant.
Coding change: c.1972G>T on transcript NM_006206.6 (MANE Select); coding-DNA position 1972, G replaced by T.
Protein change: p.Val658Leu; replaces valine 658 with leucine.
Molecular consequence: missense variant.
Genome position (GRCh38, 1-based): chr4:54,277,976, G>T. VCF-style: chr4-54277976-G-T. GRCh37 (hg19) VCF-style: chr4-55144143-G-T.
Other names: c.1972G>T, p.Val658Leu (NM_001347827.2, NM_001347829.2); c.2047G>T, p.Val683Leu (NM_001347828.2); c.2011G>T, p.Val671Leu (NM_001347830.2); short protein forms V658L, V671L, V683L.
Identifiers: ClinVar variation 2421945 (VCV002421945.14), dbSNP rs2110311916, ClinGen allele CA356893743.

ClinVar aggregate classification (germline): Uncertain significance. Review status: criteria provided, multiple submitters, no conflicts (2 of 4 stars). 2 submissions from 2 submitters: Uncertain significance (2). Last evaluated 2025-05-05.

Conditions:
Hereditary cancer-predisposing syndrome. Also called: Neoplastic Syndromes, Hereditary; Tumor predisposition; Hereditary Cancer Syndrome; Hereditary neoplastic syndrome. Identifiers: Orphanet 140162, MedGen C0027672, MeSH D009386, MONDO:0015356.
Gastrointestinal stromal tumor. Also called: Gastrointestinal stroma tumor; Gastrointestinal stromal tumor, somatic. Identifiers: Orphanet 44890, MedGen C0238198, MeSH D046152, MONDO:0011719, OMIM 606764, HP:0100723.

Submissions (2):

Labcorp Genetics (formerly Invitae), Labcorp
Classification: Uncertain significance for Gastrointestinal stromal tumor. Last evaluated: 2025-05-05. Review status: criteria provided, single submitter. Criteria: Invitae Variant Classification Sherloc (09022015). Collection method: clinical testing. Allele origin: germline.
Comment: This sequence change replaces valine, which is neutral and non-polar, with leucine, which is neutral and non-polar, at codon 658 of the PDGFRA protein (p.Val658Leu). This variant is not present in population databases (gnomAD no frequency). This variant has not been reported in the literature in individuals affected with PDGFRA-related conditions. ClinVar contains an entry for this variant (Variation ID: 2421945). Invitae Evidence Modeling of protein sequence and biophysical properties (such as structural, functional, and spatial information, amino acid conservation, physicochemical variation, residue mobility, and thermodynamic stability) has been performed for this missense variant. However, the output from this modeling did not meet the statistical confidence thresholds required to predict the impact of this variant on PDGFRA protein function. In summary, the available evidence is currently insufficient to determine the role of this variant in disease. Therefore, it has been classified as a Variant of Uncertain Significance.

Ambry Genetics
Classification: Uncertain significance for Hereditary cancer-predisposing syndrome. Last evaluated: 2024-08-31. Review status: criteria provided, single submitter. Criteria: Ambry Variant Classification Scheme 2023. Collection method: clinical testing. Allele origin: germline.
Comment: The p.V658L variant (also known as c.1972G>T), located in coding exon 13 of the PDGFRA gene, results from a G to T substitution at nucleotide position 1972. The valine at codon 658 is replaced by leucine, an amino acid with highly similar properties. This amino acid position is conserved. In addition, this alteration is predicted to be deleterious by in silico analysis. Based on the available evidence, the clinical significance of this variant remains unclear.